The following is an entry in ClinVar:

ClinVar aggregate classification (germline): Uncertain significance (1 of 4 stars; one submission).

Allele frequency attached by ClinVar (database versions not stated): gnomAD 0.00001.
gnomAD v4.1: 1 of 1,606,088 alleles (0.000062%); highest among the groups gnomAD compares: Admixed American, 0.0017%; no homozygotes.

Submission:

Labcorp Genetics (formerly Invitae), Labcorp
Classification: Uncertain significance. Last evaluated: 2022-04-12. Review status: criteria provided, single submitter. Criteria: Invitae Variant Classification Sherloc (09022015). Collection method: clinical testing. Allele origin: germline.
Comment: In summary, the available evidence is currently insufficient to determine the role of this variant in disease. Therefore, it has been classified as a Variant of Uncertain Significance. Algorithms developed to predict the effect of missense changes on protein structure and function are either unavailable or do not agree on the potential impact of this missense change (SIFT: "Deleterious"; PolyPhen-2: "Possibly Damaging"; Align-GVGD: "Class C0"). This variant has not been reported in the literature in individuals affected with PNPLA8-related conditions. This variant is not present in population databases (gnomAD no frequency). This sequence change replaces arginine, which is basic and polar, with glycine, which is neutral and non-polar, at codon 555 of the PNPLA8 protein (p.Arg555Gly).

NM_001256007.3(PNPLA8):c.1663A>G (p.Arg555Gly)

Gene: PNPLA8 (patatin like domain 8, phospholipase A2; minus strand). Cytogenetic location: 7q31.1.
Variant type: single nucleotide variant.
Coding change: c.1663A>G on transcript NM_001256007.3 (MANE Select); coding-DNA position 1663, A replaced by G.
Protein change: p.Arg555Gly; replaces arginine 555 with glycine.
Molecular consequence: missense variant.
Genome position (GRCh38, 1-based): chr7:108,491,430, T>C on the plus strand (A>G on the coding strand, the complement: PNPLA8 is on the minus strand). VCF-style: chr7-108491430-T-C. GRCh37 (hg19) VCF-style: chr7-108131874-T-C.
Other names: c.1663A>G, p.Arg555Gly (NM_001256008.3, NM_001256009.3, NM_015723.5); c.1363A>G, p.Arg455Gly (NM_001256010.3, NM_001256011.3); short protein forms R455G, R555G.
Identifiers: ClinVar variation 2117108 (VCV002117108.4), dbSNP rs1861158604, ClinGen allele CA368895281.